The following is an entry in ClinVar:

NM_001384732.1(CPLANE1):c.5114T>C (p.Ile1705Thr)

Gene: CPLANE1 (ciliogenesis and planar polarity effector complex subunit 1; minus strand). Cytogenetic location: 5p13.2.
Variant type: single nucleotide variant.
Coding change: c.5114T>C on transcript NM_001384732.1 (MANE Select); coding-DNA position 5114, T replaced by C.
Protein change: p.Ile1705Thr; replaces isoleucine 1705 with threonine.
Molecular consequence: missense variant.
Genome position (GRCh38, 1-based): chr5:37,183,067, A>G on the plus strand (T>C on the coding strand, the complement: CPLANE1 is on the minus strand). VCF-style: chr5-37183067-A-G. GRCh37 (hg19) VCF-style: chr5-37183169-A-G.
Other names: c.5114T>C, p.Ile1705Thr (NM_023073.4); short protein forms I1705T.
Identifiers: ClinVar variation 1402847 (VCV001402847.7), dbSNP rs1160277331, ClinGen allele CA359494000.

ClinVar aggregate classification (germline): Uncertain significance. Review status: criteria provided, multiple submitters, no conflicts (2 of 4 stars). 2 submissions from 2 submitters: Uncertain significance (2). Last evaluated 2022-05-16.

Conditions:
Orofaciodigital syndrome type 6 (OFD6). Also called: OROFACIODIGITAL SYNDROME VI; OFDS VI; POLYDACTYLY, CLEFT LIP/PALATE OR LINGUAL LUMP, AND PSYCHOMOTOR RETARDATION; VARADI SYNDROME; VARADI-PAPP SYNDROME; Oral-facial-digital syndrome type 6. Identifiers: Orphanet 2754, MedGen C2745997, MONDO:0010176, OMIM 277170.
Joubert syndrome 17 (JBTS17). Identifiers: Orphanet 475, MedGen C3553264, MONDO:0013824, OMIM 614615.

Allele frequency attached by ClinVar (database versions not stated): gnomAD 0.00001; gnomAD exomes 0.00001; TOPMed 0.00001.
gnomAD v4.1: 5 of 1,613,340 alleles (0.00031%); highest among the groups gnomAD compares: Admixed American, 0.0017%; no homozygotes.

Submissions (2):

Labcorp Genetics (formerly Invitae), Labcorp
Classification: Uncertain significance. Last evaluated: 2022-05-16. Review status: criteria provided, single submitter. Criteria: Invitae Variant Classification Sherloc (09022015). Collection method: clinical testing. Allele origin: germline.
Comment: This variant has not been reported in the literature in individuals affected with CPLANE1-related conditions. In summary, the available evidence is currently insufficient to determine the role of this variant in disease. Therefore, it has been classified as a Variant of Uncertain Significance. Advanced modeling of protein sequence and biophysical properties (such as structural, functional, and spatial information, amino acid conservation, physicochemical variation, residue mobility, and thermodynamic stability) performed at Invitae indicates that this missense variant is not expected to disrupt CPLANE1 protein function. This variant is not present in population databases (gnomAD no frequency). This sequence change replaces isoleucine, which is neutral and non-polar, with threonine, which is neutral and polar, at codon 1705 of the CPLANE1 protein (p.Ile1705Thr).

Fulgent Genetics
Classification: Uncertain significance for Orofaciodigital syndrome type 6; Joubert syndrome 17. Last evaluated: 2022-05-02. Review status: criteria provided, single submitter. Criteria: ACMG Guidelines, 2015. Collection method: clinical testing. Allele origin: unknown.